The following is an entry in ClinVar:

NM_001211.6(BUB1B):c.47C>T (p.Ser16Phe)

Gene: BUB1B (BUB1 mitotic checkpoint serine/threonine kinase B; plus strand). Cytogenetic location: 15q15.1.
Variant type: single nucleotide variant.
Coding change: c.47C>T on transcript NM_001211.6 (MANE Select); coding-DNA position 47, C replaced by T.
Protein change: p.Ser16Phe; replaces serine 16 with phenylalanine.
Molecular consequence: missense variant.
Genome position (GRCh38, 1-based): chr15:40,165,064, C>T. VCF-style: chr15-40165064-C-T. GRCh37 (hg19) VCF-style: chr15-40457265-C-T.
Other names: short protein forms S16F.
Identifiers: ClinVar variation 861174 (VCV000861174.9), dbSNP rs1364339094, ClinGen allele CA391676896.
Genomic context (GRCh38, chr15:40,165,064, plus strand): 5'-ATAATAGTCAATGTTGGTATGAGATTTACATTTGTTTCCTTCTTCACAGTGAAGCCATGT[C>T]CCTGGAGGGAGATGAATGGGAACTGAGTAAAGAAAATGTACAACCTTTAAGGCAAGGGCG-3'
Protein context (NP_001202.5, residues 6-26): KEGGALSEAM[Ser16Phe]LEGDEWELSK

ClinVar aggregate classification (germline): Uncertain significance (1 of 4 stars; one submission).

Conditions:
Mosaic variegated aneuploidy syndrome 1 (MVA1). Also called: Warburton-Anyane-Yeboa syndrome. Identifiers: Orphanet 1052, MedGen C1850343, MONDO:0009759, OMIM 257300.

Allele frequency attached by ClinVar (database versions not stated): TOPMed 0.00001.
gnomAD v4.1: 1 of 1,614,114 alleles (0.000062%); highest among the groups gnomAD compares: Non-Finnish European, 0.000085%; no homozygotes.

Submission:

Labcorp Genetics (formerly Invitae), Labcorp
Classification: Uncertain significance for Mosaic variegated aneuploidy syndrome 1. Last evaluated: 2022-03-07. Review status: criteria provided, single submitter. Criteria: Invitae Variant Classification Sherloc (09022015). Collection method: clinical testing. Allele origin: germline.
Comment: In summary, the available evidence is currently insufficient to determine the role of this variant in disease. Therefore, it has been classified as a Variant of Uncertain Significance. Algorithms developed to predict the effect of missense changes on protein structure and function (SIFT, PolyPhen-2, Align-GVGD) all suggest that this variant is likely to be tolerated. ClinVar contains an entry for this variant (Variation ID: 861174). This variant has not been reported in the literature in individuals affected with BUB1B-related conditions. This variant is not present in population databases (gnomAD no frequency). This sequence change replaces serine, which is neutral and polar, with phenylalanine, which is neutral and non-polar, at codon 16 of the BUB1B protein (p.Ser16Phe).